The following is an entry in ClinVar:

ClinVar aggregate classification (germline): Pathogenic (1 of 4 stars; one submission).

Submission:

Labcorp Genetics (formerly Invitae), Labcorp
Classification: Pathogenic. Last evaluated: 2025-04-13. Review status: criteria provided, single submitter. Criteria: Invitae Variant Classification Sherloc (09022015). Collection method: clinical testing. Allele origin: germline.
Comment: This sequence change creates a premature translational stop signal (p.Tyr70Hisfs*35) in the KIAA0753 gene. It is expected to result in an absent or disrupted protein product. Loss-of-function variants in KIAA0753 are known to be pathogenic (PMID: 29138412). This variant is present in population databases (no rsID available, gnomAD 0.0009%). This variant has not been reported in the literature in individuals affected with KIAA0753-related conditions. For these reasons, this variant has been classified as Pathogenic.

Literature cited by the submitters: PubMed 29138412.

NM_014804.3(KIAA0753):c.205_206dup (p.Tyr70fs)

Gene: KIAA0753 (KIAA0753; minus strand). Cytogenetic location: 17p13.1.
Variant type: Duplication.
Coding change: c.205_206dup on transcript NM_014804.3 (MANE Select); coding-DNA positions 205 to 206, 2 bases duplicated (TC; older notation c.205_206dupTC).
Protein change: p.Tyr70fs; shifts the reading frame from tyrosine 70.
Molecular consequence: frameshift variant. On other transcripts: 5 prime UTR variant (1), non-coding transcript variant (3).
Genome position (GRCh38, 1-based): chr17:6,628,629-6,628,630, GA duplicated on the plus strand (TC on the coding strand, the reverse complement: KIAA0753 is on the minus strand). VCF-style (leftmost placement, unchanged base first): chr17-6628628-T-TGA. GRCh37 (hg19) VCF-style: chr17-6531948-T-TGA.
Other names: c.-1030_-1029dup (NM_001351225.2); short protein forms Y70fs.
Identifiers: ClinVar variation 4770211 (VCV004770211.1).